The following is an entry in ClinVar:

NM_004415.4(DSP):c.2531A>G (p.Gln844Arg)

Gene: DSP (desmoplakin; plus strand). Cytogenetic location: 6p24.3.
Variant type: single nucleotide variant.
Coding change: c.2531A>G on transcript NM_004415.4 (MANE Select); coding-DNA position 2531, A replaced by G.
Protein change: p.Gln844Arg; replaces glutamine 844 with arginine.
Molecular consequence: missense variant.
Genome position (GRCh38, 1-based): chr6:7,575,389, A>G. VCF-style: chr6-7575389-A-G. GRCh37 (hg19) VCF-style: chr6-7575622-A-G.
Other names: c.2531A>G, p.Gln844Arg (NM_001008844.3, NM_001319034.2); short protein forms Q844R.
Identifiers: ClinVar variation 1792700 (VCV001792700.2), dbSNP rs2533908584, ClinGen allele CA362681547.
Genomic context (GRCh38, chr6:7,575,389, plus strand): 5'-TGTTGGCCACTATGAAGACAGAACTACAGAAAGCCCAGCAGATCCACTCTCAGACTTCAC[A>G]GCAGTATCCACTTTATGATCTGGACTTGGGCAAGTTCGGTGAAAAAGTCACACAGCTGAC-3'
Protein context (NP_004406.2, residues 834-854): KAQQIHSQTS[Gln844Arg]QYPLYDLDLG

ClinVar aggregate classification (germline): Uncertain significance (1 of 4 stars; one submission).

Conditions:
Cardiovascular phenotype. Identifiers: MedGen CN230736.

Submission:

Ambry Genetics
Classification: Uncertain significance for Cardiovascular phenotype. Last evaluated: 2019-05-02. Review status: criteria provided, single submitter. Criteria: Ambry Variant Classification Scheme 2023. Collection method: clinical testing. Allele origin: germline.
Comment: The p.Q844R variant (also known as c.2531A>G), located in coding exon 18 of the DSP gene, results from an A to G substitution at nucleotide position 2531. The glutamine at codon 844 is replaced by arginine, an amino acid with highly similar properties. This amino acid position is well conserved in available vertebrate species; however, arginine is the reference amino acid in other vertebrate species. In addition, this alteration is predicted to be tolerated by in silico analysis. Since supporting evidence is limited at this time, the clinical significance of this alteration remains unclear.